The following is an entry in ClinVar:

ClinVar aggregate classification (germline): Likely benign (1 of 4 stars; one submission).

Allele frequency attached by ClinVar (database versions not stated): 1000 Genomes Project 0.00180; 1000 Genomes Project 30x 0.00219; TOPMed 0.00539; gnomAD 0.00599 and 0.00612.
gnomAD v4.1: 916 of 152,256 alleles (0.6%); highest among the groups gnomAD compares: Non-Finnish European, 0.93%; 6 homozygotes.

Submission:

GeneDx
Classification: Likely benign. Last evaluated: 2018-06-19. Review status: criteria provided, single submitter. Criteria: GeneDx Variant Classification (06012015). Collection method: clinical testing. Allele origin: germline. Affected: yes.
Comment: This variant is considered likely benign or benign based on one or more of the following criteria: it is a conservative change, it occurs at a poorly conserved position in the protein, it is predicted to be benign by multiple in silico algorithms, and/or has population frequency not consistent with disease.

NM_001035.3(RYR2):c.10839-283G>A

Gene: RYR2 (ryanodine receptor 2; plus strand). Cytogenetic location: 1q43.
Variant type: single nucleotide variant.
Coding change: c.10839-283G>A on transcript NM_001035.3 (MANE Select); 283 bases into the intron before coding-DNA position 10839, G replaced by A.
Molecular consequence: intron variant.
Genome position (GRCh38, 1-based): chr1:237,729,977, G>A. VCF-style: chr1-237729977-G-A. GRCh37 (hg19) VCF-style: chr1-237893277-G-A.
Identifiers: ClinVar variation 674281 (VCV000674281.1), dbSNP rs192089975, ClinGen allele CA10861628.
Genomic context (GRCh38, chr1:237,729,977, plus strand): 5'-TCAATGCGATTTACATCCTTTATCTCATTTTAAGGCTTACAAAACTGAAATGTGGTTGGA[G>A]TTATCCTGGTTTTATAAAGGAATAAACTGAAATTTGGGAAAGTCGAGTCACTTGACCAAT-3'